The following is an entry in ClinVar:

ClinVar aggregate classification (germline): Pathogenic. Review status: criteria provided, multiple submitters, no conflicts (2 of 4 stars). 4 submissions from 4 submitters: Pathogenic (4). Last evaluated 2024-03-01.

Conditions:
Autosomal recessive distal spinal muscular atrophy 1. Also called: HMN VI; NEURONOPATHY, DISTAL HEREDITARY MOTOR, HARDING TYPE VI; NEUROPATHY, DISTAL HEREDITARY MOTOR, AUTOSOMAL RECESSIVE 1; Spinal muscular atrophy with respiratory distress 1; NEURONOPATHY, SEVERE INFANTILE AXONAL, WITH RESPIRATORY FAILURE; SEVERE INFANTILE AXONAL NEUROPATHY WITH RESPIRATORY FAILURE. Identifiers: Orphanet 98920, MedGen C1858517, MONDO:0011436, OMIM 604320.
Charcot-Marie-Tooth disease axonal type 2S. Also called: CHARCOT-MARIE-TOOTH NEUROPATHY, TYPE 2S; CHARCOT-MARIE-TOOTH DISEASE, AXONAL, AUTOSOMAL RECESSIVE, TYPE 2S. Identifiers: Orphanet 443073, MedGen C4015349, MONDO:0014511, OMIM 616155.

Submissions (4):

Fulgent Genetics
Classification: Pathogenic for Autosomal recessive distal spinal muscular atrophy 1; Charcot-Marie-Tooth disease axonal type 2S. Last evaluated: 2024-03-01. Review status: criteria provided, single submitter. Criteria: ACMG Guidelines, 2015. Collection method: clinical testing. Allele origin: germline.

Foundation for Research in Genetics and Endocrinology, FRIGE's Institute of Human Genetics
Classification: Pathogenic for Charcot-Marie-Tooth disease axonal type 2S. Last evaluated: 2023-06-28. Review status: criteria provided, single submitter. Criteria: ACMG Guidelines, 2015. Collection method: clinical testing. Allele origin: germline. Inheritance: Autosomal recessive inheritance. Affected: yes. Observed: 1 heterozygote.
Comment: A heterozygous indel variant (c.292_303delinsATGCT) lies in exon 3 of the IGHMBP2 gene and is predicted to cause a frameshift and consequent premature termination of the protein (p.Gly98MetfsTer7). The c.292_303delins has not been observed in the gnomAD database. In silico predication of the variant is disease causing by MutationTaster2. The c.292_303delins is a known pathogenic variant previously reported in the homozygous state [PMID:28251916]. In summary, the variant meets our criteria to be classified as pathogenic.

Baylor Genetics
Classification: Pathogenic for Autosomal recessive distal spinal muscular atrophy 1. Last evaluated: 2019-09-11. Review status: criteria provided, single submitter. Criteria: ACMG Guidelines, 2015. Collection method: clinical testing. Allele origin: unknown. Affected: yes.
Comment: This variant was determined to be pathogenic according to ACMG Guidelines, 2015 [PMID:25741868].

GeneDx
Classification: Pathogenic. Last evaluated: 2019-08-16. Review status: criteria provided, single submitter. Criteria: GeneDx Variant Classification Process June 2021. Collection method: clinical testing. Allele origin: germline. Affected: yes.
Comment: Frameshift variant predicted to result in protein truncation or nonsense mediated decay in a gene for which loss-of-function is a known mechanism of disease; Not observed at a significant frequency in large population cohorts (Lek et al., 2016); This variant is associated with the following publications: (PMID: 28251916, 30919572)

NM_002180.3(IGHMBP2):c.292_303delinsATGCT (p.Gly98fs)

Gene: IGHMBP2 (immunoglobulin mu DNA binding protein 2; plus strand). Cytogenetic location: 11q13.3.
Variant type: Indel.
Coding change: c.292_303delinsATGCT on transcript NM_002180.3 (MANE Select); coding-DNA positions 292 to 303, GGCAGTCAGCTG replaced by ATGCT.
Protein change: p.Gly98fs; shifts the reading frame from glycine 98.
Molecular consequence: frameshift variant.
Genome position (GRCh38, 1-based): chr11:68,908,180-68,908,191, GGCAGTCAGCTG replaced by ATGCT. VCF-style: chr11-68908180-GGCAGTCAGCTG-ATGCT. GRCh37 (hg19) VCF-style: chr11-68675648-GGCAGTCAGCTG-ATGCT.
Other names: p.Gly98MetfsTer7; c.292_303delGGCAGTCAGCTGinsATGCT (NM_002180.2); short protein forms G98fs.
Identifiers: ClinVar variation 429896 (VCV000429896.7), dbSNP rs1131691657, ClinGen allele CA645369513.
Genomic context (GRCh38, chr11:68,908,180, plus strand): 5'-TGTCACTGAGTCTTTGTTTTTGCAGGTGATATCGTGGGCCTGTACGATGCTGCTAATGAG[GGCAGTCAGCTG>ATGCT]GCCACTGGGATCTTGACCCGGGTCACCCAGAAGTCGGTCACGGTGGCCTTTGATGAGTCC-3'